The following is an entry in ClinVar:

ClinVar aggregate classification (germline): Pathogenic (1 of 4 stars; one submission).

Submission:

GeneDx
Classification: Pathogenic. Last evaluated: 2025-06-17. Review status: criteria provided, single submitter. Criteria: GeneDx Variant Classification Process June 2021. Collection method: clinical testing. Allele origin: germline. Affected: yes.
Comment: Frameshift variant predicted to result in protein truncation or nonsense mediated decay in a gene for which loss of function is a known mechanism of disease; Not observed at significant frequency in large population cohorts (gnomAD); Has not been previously published as pathogenic or benign to our knowledge

NM_001042492.3(NF1):c.1821_1834del (p.Arg607fs)

Gene: NF1 (neurofibromin 1; plus strand). Cytogenetic location: 17q11.2.
Variant type: Deletion.
Coding change: c.1821_1834del on transcript NM_001042492.3 (MANE Select); coding-DNA positions 1821 to 1834, 14 bases deleted (GAATAAATTTCTTC).
Protein change: p.Arg607fs; shifts the reading frame from arginine 607.
Molecular consequence: frameshift variant.
Genome position (GRCh38, 1-based): chr17:31,223,543-31,223,556, GAATAAATTTCTTC deleted. VCF-style (leftmost placement, unchanged base first): chr17-31223542-GGAATAAATTTCTTC-G. GRCh37 (hg19) VCF-style: chr17-29550560-GGAATAAATTTCTTC-G.
Other names: c.1821_1834delGAATAAATTTCTTC, p.Arg607Serfs (NM_000267.3); c.1821_1834del, p.Arg607fs (NM_000267.4); short protein forms R607fs.
Identifiers: ClinVar variation 4538616 (VCV004538616.1).